The following is an entry in ClinVar:

NM_004168.4(SDHA):c.1816T>A (p.Tyr606Asn)

Gene: SDHA (succinate dehydrogenase complex flavoprotein subunit A; plus strand). Cytogenetic location: 5p15.33.
Variant type: single nucleotide variant.
Coding change: c.1816T>A on transcript NM_004168.4 (MANE Select); coding-DNA position 1816, T replaced by A.
Protein change: p.Tyr606Asn; replaces tyrosine 606 with asparagine.
Molecular consequence: missense variant.
Genome position (GRCh38, 1-based): chr5:254,414, T>A. VCF-style: chr5-254414-T-A. GRCh37 (hg19) VCF-style: chr5-254529-T-A.
Other names: c.1672T>A, p.Tyr558Asn (NM_001294332.2); c.1573T>A, p.Tyr525Asn (NM_001330758.2); short protein forms Y558N, Y525N, Y606N.
Identifiers: ClinVar variation 1498118 (VCV001498118.8), dbSNP rs17400614, ClinGen allele CA359001726.

ClinVar aggregate classification (germline): Uncertain significance (1 of 4 stars; one submission).

Conditions:
Mitochondrial complex II deficiency, nuclear type 1. Also called: SUCCINATE CoQ REDUCTASE DEFICIENCY. Identifiers: Orphanet 3208, MedGen C5700310, MONDO:0100294, OMIM 252011.
Pheochromocytoma/paraganglioma syndrome 5. Also called: Paragangliomas 5; SDHA-Related Hereditary Paraganglioma-Pheochromocytoma Syndrome. Identifiers: Orphanet 29072, MedGen C3279992, MONDO:0013602, OMIM 614165.

Submission:

Labcorp Genetics (formerly Invitae), Labcorp
Classification: Uncertain significance for Pheochromocytoma/paraganglioma syndrome 5; Mitochondrial complex II deficiency, nuclear type 1. Last evaluated: 2021-02-05. Review status: criteria provided, single submitter. Criteria: Invitae Variant Classification Sherloc (09022015). Collection method: clinical testing. Allele origin: germline.
Comment: In summary, the available evidence is currently insufficient to determine the role of this variant in disease. Therefore, it has been classified as a Variant of Uncertain Significance. Advanced modeling of protein sequence and biophysical properties (such as structural, functional, and spatial information, amino acid conservation, physicochemical variation, residue mobility, and thermodynamic stability) performed at Invitae indicates that this missense variant is not expected to disrupt SDHA protein function. This variant has not been reported in the literature in individuals with SDHA-related conditions. This variant is not present in population databases (ExAC no frequency). This sequence change replaces tyrosine with asparagine at codon 606 of the SDHA protein (p.Tyr606Asn). The tyrosine residue is highly conserved and there is a large physicochemical difference between tyrosine and asparagine.